The following is an entry in ClinVar:

NM_001035.3(RYR2):c.14590+5G>A

Gene: RYR2 (ryanodine receptor 2; plus strand). Cytogenetic location: 1q43.
Variant type: single nucleotide variant.
Coding change: c.14590+5G>A on transcript NM_001035.3 (MANE Select); 5 bases into the intron after coding-DNA position 14590, G replaced by A.
Molecular consequence: intron variant.
Genome position (GRCh38, 1-based): chr1:237,819,197, G>A. VCF-style: chr1-237819197-G-A. GRCh37 (hg19) VCF-style: chr1-237982497-G-A.
Identifiers: ClinVar variation 3071948 (VCV003071948.2), dbSNP rs2528297874, ClinGen allele CA2574488455.
Genomic context (GRCh38, chr1:237,819,197, plus strand): 5'-CTTTGACATCACTTTCTTCTTCTTTGTTATTGTCATTCTCTTGGCCATAATACAAGGTAA[G>A]TATCCTCCTCACTGAAGCTGATGAACATCTAGAATTTGAGCCACATGTTGCTGAAGTTAA-3'

ClinVar aggregate classification (germline): Uncertain significance. Review status: criteria provided, multiple submitters, no conflicts (2 of 4 stars). 2 submissions from 2 submitters: Uncertain significance (2). Last evaluated 2025-09-04.

Conditions:
Cardiomyopathy (CMYO). Also called: Cardiomyopathies. Identifiers: Orphanet 167848, MedGen C0878544, MONDO:0004994, HP:0001638. Inheritance: Various modes of inheritance.
Catecholaminergic polymorphic ventricular tachycardia (CVPT). Also called: Catecholamine-induced polymorphic ventricular tachycardia. Identifiers: Orphanet 3286, MedGen C5574922, MONDO:0017990.

gnomAD v4.1: 1 of 1,611,622 alleles (0.000062%); highest among the groups gnomAD compares: Middle Eastern, 0.017%; no homozygotes.

Submissions (2):

Color Diagnostics, LLC DBA Color Health
Classification: Uncertain significance for Cardiomyopathy. Last evaluated: 2025-09-04. Review status: criteria provided, single submitter. Criteria: ACMG Guidelines, 2015. Collection method: clinical testing. Allele origin: germline.
Comment: This variant causes a G to A nucleotide substitution at the +5 position of intron 101 of the RYR2 gene. To our knowledge, functional studies have not been reported for this variant. This variant has not been reported in individuals affected with RYR2-related disorders in the literature. This variant has not been identified in the general population by the Genome Aggregation Database (gnomAD). The available evidence is insufficient to determine the role of this variant in disease conclusively. Therefore, this variant is classified as a Variant of Uncertain Significance.

All of Us Research Program, National Institutes of Health
Classification: Uncertain significance for Catecholaminergic polymorphic ventricular tachycardia. Last evaluated: 2023-06-26. Review status: criteria provided, single submitter. Criteria: ACMG Guidelines, 2015. Collection method: clinical testing. Allele origin: germline. Inheritance: Autosomal dominant inheritance. Observed: 1 variant allele, 1 heterozygote.
Comment: This variant causes a G to A nucleotide substitution at the +5 position of intron 101 of the RYR2 gene. To our knowledge, functional studies have not been reported for this variant. This variant has not been reported in individuals affected with RYR2-related disorders in the literature. This variant has not been identified in the general population by the Genome Aggregation Database (gnomAD). The available evidence is insufficient to determine the role of this variant in disease conclusively. Therefore, this variant is classified as a Variant of Uncertain Significance.

This study involves interpretation of variants in research participants for the purpose of population health screening. Participant phenotype was not available at the time of variant classification. Additional details can be found in publication PMID: 35346344, PMCID: PMC8962531